The following is an entry in ClinVar:

ClinVar aggregate classification (germline): Uncertain significance (1 of 4 stars; one submission).

Conditions:
DYRK1A-related intellectual disability syndrome (MRD7). Also called: DYRK1A Syndrome; Intellectual developmental disorder, autosomal dominant 7. Identifiers: Orphanet 464306, MedGen C5568143, MONDO:0013578, OMIM 614104.

Submission:

Labcorp Genetics (formerly Invitae), Labcorp
Classification: Uncertain significance for DYRK1A-related intellectual disability syndrome. Last evaluated: 2022-10-27. Review status: criteria provided, single submitter. Criteria: Invitae Variant Classification Sherloc (09022015). Collection method: clinical testing. Allele origin: germline.
Comment: In summary, the available evidence is currently insufficient to determine the role of this variant in disease. Therefore, it has been classified as a Variant of Uncertain Significance. This sequence change replaces arginine, which is basic and polar, with glutamine, which is neutral and polar, at codon 328 of the DYRK1A protein (p.Arg328Gln). This variant is not present in population databases (gnomAD no frequency). This variant has not been reported in the literature in individuals affected with DYRK1A-related conditions. Advanced modeling of protein sequence and biophysical properties (such as structural, functional, and spatial information, amino acid conservation, physicochemical variation, residue mobility, and thermodynamic stability) performed at Invitae indicates that this missense variant is expected to disrupt DYRK1A protein function.

NM_001347721.2(DYRK1A):c.956G>A (p.Arg319Gln)

Gene: DYRK1A (dual specificity tyrosine phosphorylation regulated kinase 1A; plus strand). Cytogenetic location: 21q22.13.
Variant type: single nucleotide variant.
Coding change: c.956G>A on transcript NM_001347721.2 (MANE Select); coding-DNA position 956, G replaced by A.
Protein change: p.Arg319Gln; replaces arginine 319 with glutamine.
Molecular consequence: missense variant.
Genome position (GRCh38, 1-based): chr21:37,493,048, G>A. VCF-style: chr21-37493048-G-A. GRCh37 (hg19) VCF-style: chr21-38865350-G-A.
Other names: c.956G>A, p.Arg319Gln (NM_001347722.2, NM_130436.2); c.869G>A, p.Arg290Gln (NM_001347723.2); c.983G>A, p.Arg328Gln (NM_001396.5, NM_101395.2, NM_130438.2); short protein forms R319Q, R290Q, R328Q.
Identifiers: ClinVar variation 2810165 (VCV002810165.3), dbSNP rs2518037670, ClinGen allele CA409936434.
Genomic context (GRCh38, chr21:37,493,048, plus strand): 5'-AAGTAATACTATTTTGAAATATATTTCAGATATACCAGTATATTCAGAGTCGCTTTTATC[G>A]GTCTCCAGAGGTGCTACTGGGAATGCCTTATGACCTTGCCATTGATATGTGGTCCCTCGG-3'
Protein context (NP_001334650.1, residues 309-329): IYQYIQSRFY[Arg319Gln]SPEVLLGMPY